The following is an entry in ClinVar:

ClinVar aggregate classification (germline): Benign (1 of 4 stars; one submission).

Conditions:
Diaphanospondylodysostosis. Also called: VERTEBRAL OSSIFICATION, DEFECT IN, WITH NEPHROGENIC RESTS. Identifiers: Orphanet 66637, MedGen C1842691, MONDO:0011946, OMIM 608022.

Allele frequency attached by ClinVar (database versions not stated): gnomAD exomes 0.00180; ExAC 0.00213; 1000 Genomes Project 0.00379; 1000 Genomes Project 30x 0.00437; gnomAD 0.00460 and 0.00498; TOPMed 0.00502; ESP Exome Variant Server 0.00554.
gnomAD v4.1: 3,522 of 1,613,606 alleles (0.22%); highest among the groups gnomAD compares: African/African-American, 1.4%; 7 homozygotes.

Submission:

Illumina Laboratory Services, Illumina
Classification: Benign for Diaphanospondylodysostosis. Last evaluated: 2018-01-12. Review status: criteria provided, single submitter. Criteria: ICSL Variant Classification Criteria 13 December 2019. Collection method: clinical testing. Allele origin: germline.
Comment: This variant was observed in the ICSL laboratory as part of a predisposition screen in an ostensibly healthy population. It had not been previously curated by ICSL or reported in the Human Gene Mutation Database (HGMD: prior to June 1st, 2018), and was therefore a candidate for classification through an automated scoring system. Utilizing variant allele frequency, disease prevalence and penetrance estimates, and inheritance mode, an automated score was calculated to assess if this variant is too frequent to cause the disease. Based on the score and internal cut-off values, a variant classified as benign is not then subjected to further curation. The score for this variant resulted in a classification of benign for this disease.

NM_001365308.1(BMPER):c.*11G>A

Gene: BMPER (BMP binding endothelial regulator; plus strand). Cytogenetic location: 7p14.3.
Variant type: single nucleotide variant.
Coding change: c.*11G>A on transcript NM_001365308.1 (MANE Select); 11 bases downstream of the stop codon, G replaced by A.
Molecular consequence: 3 prime UTR variant.
Genome position (GRCh38, 1-based): chr7:34,153,284, G>A. VCF-style: chr7-34153284-G-A. GRCh37 (hg19) VCF-style: chr7-34192896-G-A.
Other names: c.*11G>A (NM_133468.5).
Identifiers: ClinVar variation 360120 (VCV000360120.5), dbSNP rs142523304, ClinGen allele CA4215600.